The following is an entry in ClinVar:

NM_001142864.4(PIEZO1):c.7442G>A (p.Cys2481Tyr)

Gene: PIEZO1 (piezo type mechanosensitive ion channel component 1 (Er blood group); minus strand). Cytogenetic location: 16q24.3.
Variant type: single nucleotide variant.
Coding change: c.7442G>A on transcript NM_001142864.4 (MANE Select); coding-DNA position 7442, G replaced by A.
Protein change: p.Cys2481Tyr; replaces cysteine 2481 with tyrosine.
Molecular consequence: missense variant.
Genome position (GRCh38, 1-based): chr16:88,715,729, C>T on the plus strand (G>A on the coding strand, the complement: PIEZO1 is on the minus strand). VCF-style: chr16-88715729-C-T. GRCh37 (hg19) VCF-style: chr16-88782137-C-T.
Other names: short protein forms C2481Y.
Identifiers: ClinVar variation 3376022 (VCV003376022.1).

ClinVar aggregate classification (germline): Uncertain significance (1 of 4 stars; one submission).

Submission:

GeneDx
Classification: Uncertain significance. Last evaluated: 2024-05-05. Review status: criteria provided, single submitter. Criteria: GeneDx Variant Classification Process June 2021. Collection method: clinical testing. Allele origin: germline. Affected: yes.
Comment: Not observed at significant frequency in large population cohorts (gnomAD); In silico analysis supports that this missense variant has a deleterious effect on protein structure/function; Has not been previously published as pathogenic or benign to our knowledge